The following is an entry in ClinVar:

ClinVar aggregate classification (germline): Uncertain significance. Review status: criteria provided, multiple submitters, no conflicts (2 of 4 stars). 2 submissions from 2 submitters: Uncertain significance (2). Last evaluated 2025-11-26.

Allele frequency attached by ClinVar (database versions not stated): gnomAD 0.00001; TOPMed 0.00001.
gnomAD v4.1: 43 of 1,613,192 alleles (0.0027%); highest among the groups gnomAD compares: Non-Finnish European, 0.0035%; no homozygotes.

Submissions (2):

Labcorp Genetics (formerly Invitae), Labcorp
Classification: Uncertain significance. Last evaluated: 2025-11-26. Review status: criteria provided, single submitter. Criteria: Invitae Variant Classification Sherloc (09022015). Collection method: clinical testing. Allele origin: germline.
Comment: This sequence change replaces glycine, which is neutral and non-polar, with arginine, which is basic and polar, at codon 147 of the YARS2 protein (p.Gly147Arg). This variant is present in population databases (no rsID available, gnomAD 0.0009%). This variant has not been reported in the literature in individuals affected with YARS2-related conditions. ClinVar contains an entry for this variant (Variation ID: 2579473). Invitae Evidence Modeling of protein sequence and biophysical properties (such as structural, functional, and spatial information, amino acid conservation, physicochemical variation, residue mobility, and thermodynamic stability) has been performed for this missense variant. However, the output from this modeling did not meet the statistical confidence thresholds required to predict the impact of this variant on YARS2 protein function. In summary, the available evidence is currently insufficient to determine the role of this variant in disease. Therefore, it has been classified as a Variant of Uncertain Significance.

GeneDx
Classification: Uncertain significance. Last evaluated: 2024-06-10. Review status: criteria provided, single submitter. Criteria: GeneDx Variant Classification Process June 2021. Collection method: clinical testing. Allele origin: germline. Affected: yes.
Comment: Not observed at significant frequency in large population cohorts (gnomAD); In silico analysis supports that this missense variant does not alter protein structure/function; Has not been previously published as pathogenic or benign to our knowledge

NM_001040436.3(YARS2):c.439G>A (p.Gly147Arg)

Gene: YARS2 (tyrosyl-tRNA synthetase 2; minus strand). Cytogenetic location: 12p11.21.
Variant type: single nucleotide variant.
Coding change: c.439G>A on transcript NM_001040436.3 (MANE Select); coding-DNA position 439, G replaced by A.
Protein change: p.Gly147Arg; replaces glycine 147 with arginine.
Molecular consequence: missense variant.
Genome position (GRCh38, 1-based): chr12:32,755,436, C>T on the plus strand (G>A on the coding strand, the complement: YARS2 is on the minus strand). VCF-style: chr12-32755436-C-T. GRCh37 (hg19) VCF-style: chr12-32908370-C-T.
Other names: short protein forms G147R.
Identifiers: ClinVar variation 2579473 (VCV002579473.3), dbSNP rs1470433727, ClinGen allele CA384373908.